The following is an entry in ClinVar:

ClinVar aggregate classification (germline): Uncertain significance. Review status: criteria provided, multiple submitters, no conflicts (2 of 4 stars). 2 submissions from 2 submitters: Uncertain significance (2). Last evaluated 2025-07-18.

Conditions:
Inborn genetic diseases. Identifiers: MedGen C0950123, MeSH D030342.

Allele frequency attached by ClinVar (database versions not stated): gnomAD exomes below 0.00001; TOPMed below 0.00001; gnomAD 0.00001.
gnomAD v4.1: 5 of 1,614,032 alleles (0.00031%); highest among the groups gnomAD compares: Non-Finnish European, 0.00042%; no homozygotes.

Submissions (2):

Ambry Genetics
Classification: Uncertain significance for Inborn genetic diseases. Last evaluated: 2025-07-18. Review status: criteria provided, single submitter. Criteria: Ambry Variant Classification Scheme 2023. Collection method: clinical testing. Allele origin: germline.

Labcorp Genetics (formerly Invitae), Labcorp
Classification: Uncertain significance. Last evaluated: 2025-02-26. Review status: criteria provided, single submitter. Criteria: Invitae Variant Classification Sherloc (09022015). Collection method: clinical testing. Allele origin: germline.
Comment: This sequence change replaces valine, which is neutral and non-polar, with leucine, which is neutral and non-polar, at codon 203 of the GSN protein (p.Val203Leu). This variant is present in population databases (no rsID available, gnomAD 0.007%). This variant has not been reported in the literature in individuals affected with GSN-related conditions. ClinVar contains an entry for this variant (Variation ID: 1520740). Invitae Evidence Modeling of protein sequence and biophysical properties (such as structural, functional, and spatial information, amino acid conservation, physicochemical variation, residue mobility, and thermodynamic stability) indicates that this missense variant is expected to disrupt GSN protein function with a positive predictive value of 80%. In summary, the available evidence is currently insufficient to determine the role of this variant in disease. Therefore, it has been classified as a Variant of Uncertain Significance.

NM_198252.3(GSN):c.454G>T (p.Val152Leu)

Gene: GSN (gelsolin; plus strand). Cytogenetic location: 9q33.2.
Variant type: single nucleotide variant.
Coding change: c.454G>T on transcript NM_198252.3 (MANE Select); coding-DNA position 454, G replaced by T.
Protein change: p.Val152Leu; replaces valine 152 with leucine.
Molecular consequence: missense variant. On other transcripts: 5 prime UTR variant (1).
Genome position (GRCh38, 1-based): chr9:121,310,786, G>T. VCF-style: chr9-121310786-G-T. GRCh37 (hg19) VCF-style: chr9-124073064-G-T.
Other names: c.607G>T (NM_000177.4); c.607G>T, p.Val203Leu (NM_000177.5); c.454G>T, p.Val152Leu (NM_001127662.2, NM_001127664.2, NM_001127665.2 and 10 more transcripts); c.562G>T, p.Val188Leu (NM_001127663.2); c.487G>T, p.Val163Leu (NM_001127666.2, NM_001127667.2, NM_001353063.2 and 13 more transcripts); c.505G>T, p.Val169Leu (NM_001258029.2); c.478G>T, p.Val160Leu (NM_001258030.2); c.526G>T, p.Val176Leu (NM_001353076.2); and 1 more; short protein forms V176L, V152L, V160L, V163L, V203L, V169L, V188L.
Identifiers: ClinVar variation 1520740 (VCV001520740.10), dbSNP rs1321392168, ClinGen allele CA374739150.